The following is an entry in ClinVar:

NM_001267550.2(TTN):c.101380G>A (p.Glu33794Lys)

Genes: TTN (titin; minus strand), TTN-AS1 (TTN antisense RNA 1; plus strand). Cytogenetic location: 2q31.2.
Variant type: single nucleotide variant.
Coding change: c.101380G>A on transcript NM_001267550.2 (MANE Select); coding-DNA position 101380, G replaced by A.
Protein change: p.Glu33794Lys; replaces glutamic acid 33794 with lysine.
Molecular consequence: missense variant.
Genome position (GRCh38, 1-based): chr2:178,535,235, C>T on the plus strand (G>A on the coding strand, the complement: TTN is on the minus strand). VCF-style: chr2-178535235-C-T. GRCh37 (hg19) VCF-style: chr2-179399962-C-T.
Other names: c.96457G>A, p.Glu32153Lys (NM_001256850.1); c.74185G>A, p.Glu24729Lys (NM_003319.4); c.93676G>A, p.Glu31226Lys (NM_133378.4); c.74560G>A, p.Glu24854Lys (NM_133432.3); c.74761G>A, p.Glu24921Lys (NM_133437.4); short protein forms E24854K, E24729K, E24921K, E31226K, E32153K, E33794K.
Identifiers: ClinVar variation 645938 (VCV000645938.11), dbSNP rs1484936368, ClinGen allele CA349420841.

ClinVar aggregate classification (germline): Uncertain significance. Review status: criteria provided, multiple submitters, no conflicts (2 of 4 stars). 3 submissions from 3 submitters: Uncertain significance (3). Last evaluated 2025-07-23.

Conditions:
Autosomal recessive limb-girdle muscular dystrophy type 2J (LGMDR10). Also called: Limb-girdle muscular dystrophy, type 2J; MUSCULAR DYSTROPHY, LIMB-GIRDLE, AUTOSOMAL RECESSIVE 10. Identifiers: Orphanet 140922, MedGen C1837342, MONDO:0012127, OMIM 608807.
Dilated cardiomyopathy 1G (CMD1G). Identifiers: Orphanet 154, MedGen C1858763, MONDO:0011400, OMIM 604145.
Hypertrophic cardiomyopathy 9. Also called: Familial hypertrophic cardiomyopathy 9. Identifiers: MedGen C1861065, MONDO:0013412, OMIM 613765.
Tibial muscular dystrophy (TMD). Also called: Tibial muscular dystrophy, tardive; Udd Distal Myopathy – Tibial Muscular Dystrophy; UDD MYOPATHY. Identifiers: Orphanet 609, MedGen C1838244, MONDO:0010870, OMIM 600334.
Myopathy, myofibrillar, 9, with early respiratory failure (MFM9). Also called: Hereditary myopathy with early respiratory failure; Myopathy, distal, with early respiratory failure, autosomal dominant; EDSTROM MYOPATHY; MYOPATHY, PROXIMAL, WITH EARLY RESPIRATORY MUSCLE INVOLVEMENT. Identifiers: Orphanet 178464, Orphanet 34521, MedGen C1863599, MONDO:0011362, OMIM 603689.
Early-onset myopathy with fatal cardiomyopathy (CMYO5). Also called: Salih Myopathy; CONGENITAL MYOPATHY 5 WITH CARDIOMYOPATHY. Identifiers: Orphanet 289377, MedGen C2673677, MONDO:0012714, OMIM 611705. Disease mechanism: loss of function.

Allele frequency attached by ClinVar (database versions not stated): gnomAD exomes below 0.00001; TOPMed below 0.00001; gnomAD 0.00001.
gnomAD v4.1: 9 of 1,613,806 alleles (0.00056%); highest among the groups gnomAD compares: Non-Finnish European, 0.00059%; no homozygotes.

Submissions (3):

Labcorp Genetics (formerly Invitae), Labcorp
Classification: Uncertain significance for Dilated cardiomyopathy 1G; Autosomal recessive limb-girdle muscular dystrophy type 2J. Last evaluated: 2025-07-23. Review status: criteria provided, single submitter. Criteria: Invitae Variant Classification Sherloc (09022015). Collection method: clinical testing. Allele origin: germline.
Comment: This sequence change replaces glutamic acid, which is acidic and polar, with lysine, which is basic and polar, at codon 33794 of the TTN protein (p.Glu33794Lys). This variant is not present in population databases (gnomAD no frequency). This variant has not been reported in the literature in individuals affected with TTN-related conditions. ClinVar contains an entry for this variant (Variation ID: 645938). Experimental studies and prediction algorithms are not available or were not evaluated, and the functional significance of this variant is currently unknown. This variant is located in the M band of TTN (PMID: 25589632). Non-truncating variants in this region may be relevant for neuromuscular disorders, but have not been definitively shown to cause cardiomyopathy (PMID: 23975875). In summary, the available evidence is currently insufficient to determine the role of this variant in disease. Therefore, it has been classified as a Variant of Uncertain Significance.

Revvity Omics, Revvity
Classification: Uncertain significance. Last evaluated: 2022-11-23. Review status: criteria provided, single submitter. Criteria: ACMG Guidelines, 2015. Collection method: clinical testing. Allele origin: germline.

Fulgent Genetics
Classification: Uncertain significance for Tibial muscular dystrophy; Myopathy, myofibrillar, 9, with early respiratory failure; Dilated cardiomyopathy 1G; Autosomal recessive limb-girdle muscular dystrophy type 2J; Early-onset myopathy with fatal cardiomyopathy; Hypertrophic cardiomyopathy 9. Last evaluated: 2021-08-26. Review status: criteria provided, single submitter. Criteria: ACMG Guidelines, 2015. Collection method: clinical testing. Allele origin: unknown.

Literature cited by the submitters: PubMed 25589632 (cited by Labcorp Genetics (formerly Invitae), Labcorp); PubMed 23975875 (cited by Labcorp Genetics (formerly Invitae), Labcorp).